The following is an entry in ClinVar:

NM_001042472.3(ABHD12):c.1001C>T (p.Pro334Leu)

Gene: ABHD12 (abhydrolase domain containing 12, lysophospholipase; minus strand). Cytogenetic location: 20p11.21.
Variant type: single nucleotide variant.
Coding change: c.1001C>T on transcript NM_001042472.3 (MANE Select); coding-DNA position 1001, C replaced by T.
Protein change: p.Pro334Leu; replaces proline 334 with leucine.
Molecular consequence: missense variant.
Genome position (GRCh38, 1-based): chr20:25,303,578, G>A on the plus strand (C>T on the coding strand, the complement: ABHD12 is on the minus strand). VCF-style: chr20-25303578-G-A. GRCh37 (hg19) VCF-style: chr20-25284214-G-A.
Other names: c.1001C>T, p.Pro334Leu (NM_015600.5); short protein forms P334L.
Identifiers: ClinVar variation 1487425 (VCV001487425.8), dbSNP rs1484226837, ClinGen allele CA408455234.

ClinVar aggregate classification (germline): Uncertain significance (1 of 4 stars; one submission).

Allele frequency attached by ClinVar (database versions not stated): TOPMed below 0.00001; gnomAD 0.00001.
gnomAD v4.1: 20 of 1,613,722 alleles (0.0012%); highest among the groups gnomAD compares: East Asian, 0.0022%; no homozygotes.

Submission:

Labcorp Genetics (formerly Invitae), Labcorp
Classification: Uncertain significance. Last evaluated: 2022-02-10. Review status: criteria provided, single submitter. Criteria: Invitae Variant Classification Sherloc (09022015). Collection method: clinical testing. Allele origin: germline.
Comment: In summary, the available evidence is currently insufficient to determine the role of this variant in disease. Therefore, it has been classified as a Variant of Uncertain Significance. Algorithms developed to predict the effect of missense changes on protein structure and function (SIFT, PolyPhen-2, Align-GVGD) all suggest that this variant is likely to be tolerated. This variant has not been reported in the literature in individuals affected with ABHD12-related conditions. This variant is present in population databases (no rsID available, gnomAD 0.003%). This sequence change replaces proline, which is neutral and non-polar, with leucine, which is neutral and non-polar, at codon 334 of the ABHD12 protein (p.Pro334Leu).